The following is an entry in ClinVar:

ClinVar aggregate classification (germline): Uncertain significance. Review status: criteria provided, multiple submitters, no conflicts (2 of 4 stars). 2 submissions from 2 submitters: Uncertain significance (2). Last evaluated 2025-12-18.

Conditions:
Left ventricular noncompaction 1 (LVNC1). Also called: LEFT VENTRICULAR NONCOMPACTION 1 WITH OR WITHOUT CONGENITAL HEART DEFECTS. Identifiers: Orphanet 54260, MedGen C1858725, MONDO:0011403, OMIM 604169.

Allele frequency attached by ClinVar (database versions not stated): ExAC 0.00001; gnomAD exomes 0.00001; gnomAD 0.00002; TOPMed 0.00002.
gnomAD v4.1: 40 of 1,613,844 alleles (0.0025%); highest among the groups gnomAD compares: Admixed American, 0.005%; no homozygotes.

Submissions (2):

Labcorp Genetics (formerly Invitae), Labcorp
Classification: Uncertain significance for Left ventricular noncompaction 1. Last evaluated: 2025-12-18. Review status: criteria provided, single submitter. Criteria: Invitae Variant Classification Sherloc (09022015). Collection method: clinical testing. Allele origin: germline.
Comment: This sequence change replaces arginine, which is basic and polar, with tryptophan, which is neutral and slightly polar, at codon 716 of the DTNA protein (p.Arg716Trp). This variant is present in population databases (rs774768713, gnomAD 0.006%). This variant has not been reported in the literature in individuals affected with DTNA-related conditions. ClinVar contains an entry for this variant (Variation ID: 387456). An algorithm developed to predict the effect of missense changes on protein structure and function (PolyPhen-2) suggests that this variant is likely to be disruptive. In summary, the available evidence is currently insufficient to determine the role of this variant in disease. Therefore, it has been classified as a Variant of Uncertain Significance.

GeneDx
Classification: Uncertain significance. Last evaluated: 2022-04-01. Review status: criteria provided, single submitter. Criteria: GeneDx Variant Classification Process June 2021. Collection method: clinical testing. Allele origin: germline. Affected: yes.
Comment: Has not been previously published as pathogenic or benign to our knowledge; In silico analysis supports that this missense variant does not alter protein structure/function; Variants in candidate genes are classified as variants of uncertain significance in accordance with ACMG guidelines (Richards et al., 2015)

NM_001386795.1(DTNA):c.2227C>T (p.Arg743Trp)

Gene: DTNA (dystrobrevin alpha; plus strand). Cytogenetic location: 18q12.1.
Variant type: single nucleotide variant.
Coding change: c.2227C>T on transcript NM_001386795.1 (MANE Select); coding-DNA position 2227, C replaced by T.
Protein change: p.Arg743Trp; replaces arginine 743 with tryptophan.
Molecular consequence: missense variant.
Genome position (GRCh38, 1-based): chr18:34,882,133, C>T. VCF-style: chr18-34882133-C-T. GRCh37 (hg19) VCF-style: chr18-32462097-C-T.
Other names: c.1966C>T, p.Arg656Trp (NM_001198938.2, NM_001198940.2, NM_001386753.1 and 5 more transcripts); c.1987C>T, p.Arg663Trp (NM_001198939.2); c.1273C>T, p.Arg425Trp (NM_001198942.1); c.1216C>T, p.Arg406Trp (NM_001198943.1); c.1102C>T, p.Arg368Trp (NM_001198944.1); c.2056C>T, p.Arg686Trp (NM_001386754.1, NM_001386755.1, NM_001386756.1 and 3 more transcripts); c.2053C>T, p.Arg685Trp (NM_001386760.1); c.1975C>T, p.Arg659Trp (NM_001386761.1, NM_032975.4); and 5 more; short protein forms R659W, R716W, R656W, R425W, R663W, R364W, R368W, R406W.
Identifiers: ClinVar variation 387456 (VCV000387456.9), dbSNP rs774768713, ClinGen allele CA8935969.